The following is an entry in ClinVar:

NM_001378120.1(MBD5):c.1560T>G (p.Asp520Glu)

Gene: MBD5 (methyl-CpG binding domain protein 5; plus strand). Cytogenetic location: 2q23.1.
Variant type: single nucleotide variant.
Coding change: c.1560T>G on transcript NM_001378120.1 (MANE Select); coding-DNA position 1560, T replaced by G.
Protein change: p.Asp520Glu; replaces aspartic acid 520 with glutamic acid.
Molecular consequence: missense variant.
Genome position (GRCh38, 1-based): chr2:148,469,503, T>G. VCF-style: chr2-148469503-T-G. GRCh37 (hg19) VCF-style: chr2-149227072-T-G.
Other names: c.1560T>G, p.Asp520Glu (NM_018328.5); short protein forms D520E.
Identifiers: ClinVar variation 852202 (VCV000852202.11), dbSNP rs113472052, ClinGen allele CA1900029.

ClinVar aggregate classification (germline): Uncertain significance (1 of 4 stars; one submission).

Conditions:
Intellectual developmental disorder, autosomal dominant 1. Also called: Intellectual disability, autosomal dominant 1; MBD5 Haploinsufficiency. Identifiers: Orphanet 228402, MedGen C1969562, MONDO:0007974, OMIM 156200.

Allele frequency attached by ClinVar (database versions not stated): gnomAD exomes below 0.00001; ExAC 0.00001.
gnomAD v4.1: 2 of 1,613,856 alleles (0.00012%); highest among the groups gnomAD compares: Non-Finnish European, 0.00017%; no homozygotes.

Submission:

Labcorp Genetics (formerly Invitae), Labcorp
Classification: Uncertain significance for Intellectual developmental disorder, autosomal dominant 1. Last evaluated: 2019-12-14. Review status: criteria provided, single submitter. Criteria: Invitae Variant Classification Sherloc (09022015). Collection method: clinical testing. Allele origin: germline.
Comment: In summary, the available evidence is currently insufficient to determine the role of this variant in disease. Therefore, it has been classified as a Variant of Uncertain Significance. Algorithms developed to predict the effect of missense changes on protein structure and function output the following: SIFT: "Deleterious"; PolyPhen-2: "Possibly Damaging"; Align-GVGD: "Class C35". The glutamic acid amino acid residue is found in multiple mammalian species, suggesting that this missense change does not adversely affect protein function. These predictions have not been confirmed by published functional studies and their clinical significance is uncertain. This variant has not been reported in the literature in individuals with MBD5-related conditions. This variant is present in population databases (rs113472052, ExAC 0.002%). This sequence change replaces aspartic acid with glutamic acid at codon 520 of the MBD5 protein (p.Asp520Glu). The aspartic acid residue is highly conserved and there is a small physicochemical difference between aspartic acid and glutamic acid.